The following is an entry in ClinVar:

Conditions:
Arteriohepatic dysplasia. Also called: Alagille Syndrome. Identifiers: Orphanet 52, MedGen C0085280, MeSH D016738, MONDO:0007318.

Submission:

Gilbert/Spinner Lab, Children's Hospital of Philadelphia
No classification provided (evidence only). Condition: Alagille syndrome. Review status: no classification provided. Collection method: research. Allele origin: not applicable. Functional consequence: functionally_abnormal.
ClinVar note: "not provided" was previously submitted as the classification for the variant. However, the classification appeared to be based only on an observation of functional data so it was converted to no classification on 2025-07-30.

NM_000214.3(JAG1):c.296C>G (p.Thr99Arg)

Gene: JAG1 (jagged canonical Notch ligand 1; minus strand). Cytogenetic location: 20p12.2.
Variant type: single nucleotide variant.
Coding change: c.296C>G on transcript NM_000214.3 (MANE Select); coding-DNA position 296, C replaced by G.
Protein change: p.Thr99Arg; replaces threonine 99 with arginine.
Molecular consequence: missense variant.
Genome position (GRCh38, 1-based): chr20:10,672,792, G>C on the plus strand (C>G on the coding strand, the complement: JAG1 is on the minus strand). VCF-style: chr20-10672792-G-C. GRCh37 (hg19) VCF-style: chr20-10653440-G-C.
Other names: short protein forms T99R.
Identifiers: ClinVar variation 3573440 (VCV003573440.2).